The following is an entry in ClinVar:

ClinVar aggregate classification (germline): Uncertain significance. Review status: criteria provided, multiple submitters, no conflicts (2 of 4 stars). 4 submissions from 4 submitters: Uncertain significance (4). Last evaluated 2025-07-05.

Conditions:
Idiopathic generalized epilepsy. Also called: Generalised epilepsy; EIG. Identifiers: MedGen C0270850, MONDO:0005579, OMIM 600669.
Hyperaldosteronism, familial, type IV (HALD4). Also called: FH IV; ALDOSTERONISM, PRIMARY, AND HYPERTENSION. Identifiers: Orphanet 642671, MedGen C4310756, MONDO:0014875, OMIM 617027.
Epilepsy, childhood absence, susceptibility to, 6. Identifiers: Orphanet 64280, MedGen C2749872, MONDO:0012763, OMIM 611942.

Submissions (4):

Labcorp Genetics (formerly Invitae), Labcorp
Classification: Uncertain significance for Idiopathic generalized epilepsy; Hyperaldosteronism, familial, type IV. Last evaluated: 2025-07-05. Review status: criteria provided, single submitter. Criteria: Invitae Variant Classification Sherloc (09022015). Collection method: clinical testing. Allele origin: germline.
Comment: This variant, c.2209_2286delinsAGCAGA, is a complex sequence change that results in the deletion of 25 and insertion of 1 amino acid(s) in the CACNA1H protein (p.Gly737_Arg761delinsSer). This variant is not present in population databases (gnomAD no frequency). This variant has not been reported in the literature in individuals affected with CACNA1H-related conditions. ClinVar contains an entry for this variant (Variation ID: 423060). Experimental studies and prediction algorithms are not available or were not evaluated, and the functional significance of this variant is currently unknown. In summary, the available evidence is currently insufficient to determine the role of this variant in disease. Therefore, it has been classified as a Variant of Uncertain Significance.

Fulgent Genetics
Classification: Uncertain significance for Epilepsy, childhood absence, susceptibility to, 6; Hyperaldosteronism, familial, type IV. Last evaluated: 2024-01-15. Review status: criteria provided, single submitter. Criteria: ACMG Guidelines, 2015. Collection method: clinical testing. Allele origin: germline.

Victorian Clinical Genetics Services, Murdoch Childrens Research Institute
Classification: Uncertain significance for Epilepsy, childhood absence, susceptibility to, 6. Last evaluated: 2018-08-28. Review status: criteria provided, single submitter. Criteria: ACMG Guidelines, 2015. Collection method: clinical testing. Allele origin: paternal. Affected: yes. Observed: 2 variant alleles.
Comment: A suspected heterozygous inframe deletion-insertion variant, NM_021098.2(CACNA1H):c.2209_2286delinsAGCAGA, has been identified in exon 10 of 35 of the CACNA1H gene. This variant is predicted to affect residues within the cytoplasmic domain (UniProt). The variant is absent in the gnomAD population database and has previously been reported as a variant of uncertain significance (ClinVar). Based on the information available at the time of curation, this variant has been classified as VARIANT of UNCERTAIN SIGNIFICANCE (VUS).

GeneDx
Classification: Uncertain significance. Last evaluated: 2017-01-06. Review status: criteria provided, single submitter. Criteria: GeneDx Variant Classification (06012015). Collection method: clinical testing. Allele origin: germline. Affected: yes.
Comment: The c.2209_2286del78insAGCAGA variant in the CACNA1H gene has not been reported previously as a pathogenic variant nor as a benign variant, to our knowledge. The c.2209_2286del78insAGCAGA variant causes an in-frame deletion of 25 amino acids starting at Glycine 737 followed by the insertion of a Serine amino acid, denoted p.Gly737_Arg761delinsSer. This variant was not observed in approximately 6400 individuals of European and African American ancestry in the NHLBI Exome Sequencing Project, indicating it is not a common benign variant in these populations. We interpret c.2209_2286del78insAGCAGA as a variant of uncertain significance.

NM_021098.3(CACNA1H):c.2209_2286delinsAGCAGA (p.Gly737_Arg761delinsSer)

Gene: CACNA1H (calcium voltage-gated channel subunit alpha1 H; plus strand). Cytogenetic location: 16p13.3.
Variant type: Indel.
Coding change: c.2209_2286delinsAGCAGA on transcript NM_021098.3 (MANE Select); coding-DNA positions 2209 to 2286, the reference bases replaced by AGCAGA.
Protein change: p.Gly737_Arg761delinsSer.
Molecular consequence: inframe indel.
Genome position (GRCh38, 1-based): chr16:1,204,216-1,204,293, 78 bases replaced. GRCh37 (hg19): chr16:1,254,216-1,254,293.
Other names: c.2209_2286delinsAGCAGA (NM_021098.2); c.2209_2286delinsAGCAGA, p.Gly737_Arg761delinsSer (NM_001005407.2).
Identifiers: ClinVar variation 423060 (VCV000423060.14), dbSNP rs1555513044, ClinGen allele CA16620067.